The following is an entry in ClinVar:

ClinVar aggregate classification (germline): not provided (0 of 4 stars; one submission).

Allele frequency attached by ClinVar (database versions not stated): gnomAD 0.00026 and 0.00027; TOPMed 0.00034; gnomAD exomes 0.00035.
gnomAD v4.1: 241 of 728,422 alleles (0.033%); highest among the groups gnomAD compares: Middle Eastern, 0.38%; 1 homozygote.

Submission:

Human Evolutionary Genetics, Institut Pasteur
No classification provided. Review status: no classification provided. Collection method: not provided. Allele origin: germline.
ClinVar note: Converted during submission from untested to not provided.

NM_001384950.1(NLRC5):c.3113+100G>A

Genes: NLRC5 (NLR family CARD domain containing 5; plus strand), LOC130059073 (ATAC-STARR-seq lymphoblastoid active region 10877; plus strand). Cytogenetic location: 16q13.
Variant type: single nucleotide variant.
Coding change: c.3113+100G>A on transcript NM_001384950.1 (MANE Select); 100 bases into the intron after coding-DNA position 3113, G replaced by A.
Molecular consequence: intron variant.
Genome position (GRCh38, 1-based): chr16:57,042,165, G>A. VCF-style: chr16-57042165-G-A. GRCh37 (hg19) VCF-style: chr16-57076077-G-A.
Other names: c.3113+100G>A (NM_001384954.1, NM_001384953.1, NM_001384957.1 and 19 more transcripts); c.3029+100G>A (NM_001384960.1, NM_001384965.1); c.2873+100G>A (NM_001384972.1).
Identifiers: ClinVar variation 103172 (VCV000103172.2), dbSNP rs199476300, ClinGen allele CA230218.